The following is an entry in ClinVar:

ClinVar aggregate classification (germline): Uncertain significance. Review status: criteria provided, multiple submitters, no conflicts (2 of 4 stars). 2 submissions from 2 submitters: Uncertain significance (2). Last evaluated 2025-07-15.

Conditions:
Hypertrophic cardiomyopathy. Also called: HYPERTROPHIC MYOCARDIOPATHY. Identifiers: Orphanet 217569, MedGen C0007194, MeSH D002312, MONDO:0005045, HP:0001639.

Submissions (2):

Labcorp Genetics (formerly Invitae), Labcorp
Classification: Uncertain significance for Hypertrophic cardiomyopathy. Last evaluated: 2025-07-15. Review status: criteria provided, single submitter. Criteria: Invitae Variant Classification Sherloc (09022015). Collection method: clinical testing. Allele origin: germline.
Comment: This sequence change replaces glycine, which is neutral and non-polar, with valine, which is neutral and non-polar, at codon 347 of the MYBPC3 protein (p.Gly347Val). This variant is not present in population databases (gnomAD no frequency). This variant has not been reported in the literature in individuals affected with MYBPC3-related conditions. ClinVar contains an entry for this variant (Variation ID: 1212738). An algorithm developed to predict the effect of missense changes on protein structure and function (PolyPhen-2) suggests that this variant is likely to be disruptive. In summary, the available evidence is currently insufficient to determine the role of this variant in disease. Therefore, it has been classified as a Variant of Uncertain Significance.

GeneDx
Classification: Uncertain significance. Last evaluated: 2020-02-05. Review status: criteria provided, single submitter. Criteria: GeneDx Variant Classification Process June 2021. Collection method: clinical testing. Allele origin: germline. Affected: yes.
Comment: Has not been previously published as pathogenic or benign to our knowledge; Not observed in large population cohorts (Lek et al., 2016); In silico analysis supports that this missense variant has a deleterious effect on protein structure/function

NM_000256.3(MYBPC3):c.1040G>T (p.Gly347Val)

Gene: MYBPC3 (myosin binding protein C3; minus strand). Cytogenetic location: 11p11.2.
Variant type: single nucleotide variant.
Coding change: c.1040G>T on transcript NM_000256.3 (MANE Select); coding-DNA position 1040, G replaced by T.
Protein change: p.Gly347Val; replaces glycine 347 with valine.
Molecular consequence: missense variant.
Genome position (GRCh38, 1-based): chr11:47,346,257, C>A on the plus strand (G>T on the coding strand, the complement: MYBPC3 is on the minus strand). VCF-style: chr11-47346257-C-A. GRCh37 (hg19) VCF-style: chr11-47367808-C-A.
Other names: short protein forms G347V.
Identifiers: ClinVar variation 1212738 (VCV001212738.11), dbSNP rs1555122753, ClinGen allele CA380331226.